The following is an entry in ClinVar:

NM_001368882.1(COL13A1):c.187T>C (p.Phe63Leu)

Gene: COL13A1 (collagen type XIII alpha 1 chain; plus strand). Cytogenetic location: 10q22.1.
Variant type: single nucleotide variant.
Coding change: c.187T>C on transcript NM_001368882.1 (MANE Select); coding-DNA position 187, T replaced by C.
Protein change: p.Phe63Leu; replaces phenylalanine 63 with leucine.
Molecular consequence: missense variant. On other transcripts: 5 prime UTR variant (1).
Genome position (GRCh38, 1-based): chr10:69,802,610, T>C. VCF-style: chr10-69802610-T-C. GRCh37 (hg19) VCF-style: chr10-71562366-T-C.
Other names: c.187T>C, p.Phe63Leu (NM_080805.4, NM_001130103.2, NM_001320951.2 and 11 more transcripts); c.-467T>C (NM_001368886.1); short protein forms F63L.
Identifiers: ClinVar variation 1409283 (VCV001409283.5), dbSNP rs760769794, ClinGen allele CA5533996.

ClinVar aggregate classification (germline): Uncertain significance. Review status: criteria provided, multiple submitters, no conflicts (2 of 4 stars). 2 submissions from 2 submitters: Uncertain significance (2). Last evaluated 2023-10-26.

Conditions:
Congenital myasthenic syndrome 19. Identifiers: Orphanet 590, MedGen C4225235, MONDO:0014745, OMIM 616720.

Allele frequency attached by ClinVar (database versions not stated): ExAC 0.00001; gnomAD exomes 0.00003 and 0.00010; gnomAD 0.00004; TOPMed 0.00004.
gnomAD v4.1: 148 of 1,612,792 alleles (0.0092%); highest among the groups gnomAD compares: Non-Finnish European, 0.012%; no homozygotes.

Submissions (2):

Revvity Omics, Revvity
Classification: Uncertain significance for Congenital myasthenic syndrome 19. Last evaluated: 2023-10-26. Review status: criteria provided, single submitter. Criteria: ACMG Guidelines, 2015. Collection method: clinical testing. Allele origin: germline.

Labcorp Genetics (formerly Invitae), Labcorp
Classification: Uncertain significance. Last evaluated: 2021-10-06. Review status: criteria provided, single submitter. Criteria: Invitae Variant Classification Sherloc (09022015). Collection method: clinical testing. Allele origin: germline.
Comment: In summary, the available evidence is currently insufficient to determine the role of this variant in disease. Therefore, it has been classified as a Variant of Uncertain Significance. Algorithms developed to predict the effect of missense changes on protein structure and function are either unavailable or do not agree on the potential impact of this missense change (SIFT: "Deleterious"; PolyPhen-2: "Probably Damaging"; Align-GVGD: "Class C0"). This variant has not been reported in the literature in individuals affected with COL13A1-related conditions. This variant is present in population databases (rs760769794, ExAC 0.002%). This sequence change replaces phenylalanine with leucine at codon 63 of the COL13A1 protein (p.Phe63Leu). The phenylalanine residue is weakly conserved and there is a small physicochemical difference between phenylalanine and leucine.